The following is an entry in ClinVar:

NM_016239.4(MYO15A):c.4561G>C (p.Glu1521Gln)

Gene: MYO15A (myosin XVA; plus strand). Cytogenetic location: 17p11.2.
Variant type: single nucleotide variant.
Coding change: c.4561G>C on transcript NM_016239.4 (MANE Select); coding-DNA position 4561, G replaced by C.
Protein change: p.Glu1521Gln; replaces glutamic acid 1521 with glutamine.
Molecular consequence: missense variant.
Genome position (GRCh38, 1-based): chr17:18,135,789, G>C. VCF-style: chr17-18135789-G-C. GRCh37 (hg19) VCF-style: chr17-18039103-G-C.
Other names: short protein forms E1521Q.
Identifiers: ClinVar variation 805067 (VCV000805067.19), dbSNP rs769189017, ClinGen allele CA8423935.

ClinVar aggregate classification (germline): Conflicting classifications of pathogenicity. Review status: criteria provided, conflicting classifications (1 of 4 stars). 6 submissions from 6 submitters: Uncertain significance (4); Likely benign (1). 1 of the submissions does not count toward it. Last evaluated 2025-10-08.

Conditions:
Inborn genetic diseases. Identifiers: MedGen C0950123, MeSH D030342.
MYO15A-related disorder. Also called: MYO15A-related condition.

Allele frequency attached by ClinVar (database versions not stated): gnomAD 0.00006; TOPMed 0.00007; gnomAD exomes 0.00010 and 0.00023; ExAC 0.00018.
gnomAD v4.1: 67 of 1,614,000 alleles (0.0042%); highest among the groups gnomAD compares: Admixed American, 0.11%; no homozygotes.

Submissions (6):

Labcorp Genetics (formerly Invitae), Labcorp
Classification: Likely benign. Last evaluated: 2025-10-08. Review status: criteria provided, single submitter. Criteria: Invitae Variant Classification Sherloc (09022015). Collection method: clinical testing. Allele origin: germline.

GeneDx
Classification: Uncertain significance. Last evaluated: 2022-09-07. Review status: criteria provided, single submitter. Criteria: GeneDx Variant Classification Process June 2021. Collection method: clinical testing. Allele origin: germline. Affected: yes.
Comment: In silico analysis supports that this missense variant has a deleterious effect on protein structure/function; Has not been previously published as pathogenic or benign to our knowledge

Blueprint Genetics
Classification: Uncertain significance. Last evaluated: 2021-02-02. Review status: criteria provided, single submitter. Criteria: ACMG Guidelines, 2015. Collection method: clinical testing. Allele origin: germline.

Ambry Genetics
Classification: Uncertain significance for Inborn genetic diseases. Last evaluated: 2020-12-31. Review status: criteria provided, single submitter. Criteria: Ambry Variant Classification Scheme 2023. Collection method: clinical testing. Allele origin: germline.
Comment: The c.4561G>C (p.E1521Q) alteration is located in exon 13 (coding exon 12) of the MYO15A gene. This alteration results from a G to C substitution at nucleotide position 4561, causing the glutamic acid (E) at amino acid position 1521 to be replaced by a glutamine (Q). Based on data from the Genome Aggregation Database (gnomAD) database, the MYO15A c.4561G>C alteration was observed in 0.02% (58/280246) of total alleles studied, with a frequency of 0.16% (57/35352) in the Latino subpopulation. This amino acid position is highly conserved in available vertebrate species. The in silico prediction for the p.E1521Q alteration is inconclusive. Based on insufficient or conflicting evidence, the clinical significance of this alteration remains unclear.

Athena Diagnostics
Classification: Uncertain significance. Last evaluated: 2019-10-28. Review status: criteria provided, single submitter. Criteria: Athena Diagnostics Criteria. Collection method: clinical testing. Allele origin: unknown.

PreventionGenetics, part of Exact Sciences
Classification: Likely benign for MYO15A-related condition. Last evaluated: 2024-04-25. Review status: no assertion criteria provided. Collection method: clinical testing. Allele origin: germline. Not counted in ClinVar's aggregate classification.
Comment: This variant is classified as likely benign based on ACMG/AMP sequence variant interpretation guidelines (Richards et al. 2015 PMID: 25741868, with internal and published modifications).